The following is an entry in ClinVar:

ClinVar aggregate classification (germline): Uncertain significance (1 of 4 stars; one submission).

Conditions:
CHARGE syndrome (CHARGE). Also called: Coloboma, heart anomaly, choanal atresia, retardation, genital and ear anomalies; CHARGE association; Hall-Hittner syndrome; Hittner Hirsch Kreh syndrome; CHARGE ASSOCIATION--COLOBOMA, HEART ANOMALY, CHOANAL ATRESIA, RETARDATION, GENITAL AND EAR ANOMALIES. Identifiers: Orphanet 138, MedGen C0265354, MONDO:0008965.

Allele frequency attached by ClinVar (database versions not stated): gnomAD exomes below 0.00001; TOPMed below 0.00001.

Submission:

Labcorp Genetics (formerly Invitae), Labcorp
Classification: Uncertain significance for CHARGE syndrome. Last evaluated: 2018-09-03. Review status: criteria provided, single submitter. Criteria: Invitae Variant Classification Sherloc (09022015). Collection method: clinical testing. Allele origin: germline.
Comment: In summary, the available evidence is currently insufficient to determine the role of this variant in disease. Therefore, it has been classified as a Variant of Uncertain Significance. Algorithms developed to predict the effect of sequence changes on RNA splicing suggest that this variant may create or strengthen a splice site, but this prediction has not been confirmed by published transcriptional studies. Algorithms developed to predict the effect of missense changes on protein structure and function (SIFT, PolyPhen-2, Align-GVGD) all suggest that this variant is likely to be tolerated, but these predictions have not been confirmed by published functional studies and their clinical significance is uncertain. This variant has not been reported in the literature in individuals with CHD7-related disease. This sequence change replaces proline with serine at codon 415 of the CHD7 protein (p.Pro415Ser). The proline residue is highly conserved and there is a moderate physicochemical difference between proline and serine. This variant is not present in population databases (ExAC no frequency).

NM_017780.4(CHD7):c.1243C>T (p.Pro415Ser)

Gene: CHD7 (chromodomain helicase DNA binding protein 7; plus strand). Cytogenetic location: 8q12.2.
Variant type: single nucleotide variant.
Coding change: c.1243C>T on transcript NM_017780.4 (MANE Select); coding-DNA position 1243, C replaced by T.
Protein change: p.Pro415Ser; replaces proline 415 with serine.
Molecular consequence: missense variant.
Genome position (GRCh38, 1-based): chr8:60,742,675, C>T. VCF-style: chr8-60742675-C-T. GRCh37 (hg19) VCF-style: chr8-61655234-C-T.
Other names: c.1243C>T, p.Pro415Ser (NM_001316690.1); short protein forms P415S.
Identifiers: ClinVar variation 657451 (VCV000657451.8), dbSNP rs1313265725, ClinGen allele CA371301930.